The following is an entry in ClinVar:

ClinVar aggregate classification (germline): Conflicting classifications of pathogenicity. Review status: criteria provided, conflicting classifications (1 of 4 stars). 7 submissions from 7 submitters: Pathogenic (4); Uncertain significance (2). 1 of the submissions does not count toward it. Last evaluated 2026-10-26.

Conditions:
Cardiovascular phenotype. Identifiers: MedGen CN230736.
Congenital myopathy. Identifiers: Orphanet 97245, MedGen C0270960, MONDO:0019952.
Dilated cardiomyopathy 1G (CMD1G). Identifiers: Orphanet 154, MedGen C1858763, MONDO:0011400, OMIM 604145.
Autosomal recessive limb-girdle muscular dystrophy type 2J (LGMDR10). Also called: MUSCULAR DYSTROPHY, LIMB-GIRDLE, AUTOSOMAL RECESSIVE 10; Limb-girdle muscular dystrophy, type 2J. Identifiers: Orphanet 140922, MedGen C1837342, MONDO:0012127, OMIM 608807.

Allele frequency attached by ClinVar (database versions not stated): gnomAD exomes 0.00001; gnomAD 0.00001.
gnomAD v4.1: 11 of 1,605,362 alleles (0.00069%); highest among the groups gnomAD compares: East Asian, 0.0023%; no homozygotes.

Submissions (7):

GeneDx
Classification: Pathogenic. Last evaluated: 2026-10-26. Review status: criteria provided, single submitter. Criteria: GeneDx Variant Classification Process June 2021. Collection method: clinical testing. Allele origin: germline.
Comment: Nonsense variant predicted to result in protein truncation or nonsense mediated decay in a gene for which loss of function is a known mechanism of disease; Located in a specific region of the I-band within TTN for which truncating variants are significantly associated with autosomal dominant cardiomyopathy and also with autosomal recessive skeletal myopathies (PMID: 27625338, 27869827, 32778822); Reported in an individual with sudden cardiac death and findings of left ventricular noncompaction (LVNC) on autopsy (PMID: 37178278); Not observed at significant frequency in large population cohorts (gnomAD); This variant is associated with the following publications: (PMID: 25163546, 27813223, 29447731, 33874732, 31112426, 37178278, 35177841, 31691645, 36264615, 39844436, 27625338, 27869827, 32778822)

Labcorp Genetics (formerly Invitae), Labcorp
Classification: Pathogenic for Dilated cardiomyopathy 1G; Autosomal recessive limb-girdle muscular dystrophy type 2J. Last evaluated: 2026-01-16. Review status: criteria provided, single submitter. Criteria: Invitae Variant Classification Sherloc (09022015). Collection method: clinical testing. Allele origin: germline.
Comment: This sequence change creates a premature translational stop signal (p.Arg14967*) in the TTN gene. While this is not anticipated to result in nonsense mediated decay, it is expected to create a truncated TTN protein. This variant is not present in population databases (gnomAD no frequency). This premature translational stop signal has been observed in individuals with autosomal dominant dilated cardiomyopathy and/or noncompaction cardiomyopathy (PMID: 27813223, 29447731, 31112426, 33874732, 36264615; internal data). This variant is also known as c.18280C>T (p.Arg6094*) and c.37195C>T (p.Arg12399*). ClinVar contains an entry for this variant (Variation ID: 180102). This variant is located in the I band of TTN (PMID: 25589632). Truncating variants in this region have been reported in individuals affected with autosomal recessive centronuclear myopathy (PMID: 23975875, internal data). Truncating variants in this region have also been identified in individuals affected with autosomal dominant dilated cardiomyopathy and/or cardio-related conditions (PMID: 27869827, 32964742, internal data). For these reasons, this variant has been classified as Pathogenic.

Ambry Genetics
Classification: Pathogenic for Cardiovascular phenotype. Last evaluated: 2023-05-01. Review status: criteria provided, single submitter. Criteria: Ambry Variant Classification Scheme 2023. Collection method: clinical testing. Allele origin: germline.
Comment: The p.R5902* pathogenic mutation (also known as c.17704C>T), located in coding exon 70 of the TTN gene, results from a C to T substitution at nucleotide position 17704. This changes the amino acid from an arginine to a stop codon within coding exon 70. This exon is located in the I-band region of the N2-B isoform of the titin protein and is constitutively expressed in TTN transcripts (percentage spliced in or PSI 100%). This alteration (also referred to as c.18280C>T, p.R6094* and c.37195C>T, p.R12399) has been detected in dilated cardiomyopathy (DCM) and left ventricular noncompaction (LVNC) cohorts (Haas J et al. Eur. Heart J. 2015 May;36:1123-35a; van Waning JI et al. J. Am. Coll. Cardiol., 2018 Feb;71:711-722). This variant (referred to as c.44899C>T, p.R14967*) has also been reported to segregate with DCM in a large family (Jansweijer JA et al. Eur. J. Heart Fail., 2017 04;19:512-521). This variant is considered to be rare based on population cohorts in the Genome Aggregation Database (gnomAD). This alteration is expected to result in loss of function by premature protein truncation or nonsense-mediated mRNA decay. While truncating variants in TTN are present in 1-3% of the general population, truncating variants in the A-band are the most common cause of DCM (Herman DS et al. N. Engl. J. Med. 2012 Feb;366:619-28; Roberts AM et al. Sci Transl Med. 2015 Jan;7:270ra6). TTN truncating variants encoded in constitutive exons (PSI >90%) have been found to be significantly associated with DCM regardless of their position in titin (Schafer S et al. Nat. Genet. 2017 Jan;49:46-53). Based on the supporting evidence, this alteration is interpreted as a disease-causing mutation.

Cambridge Genomics Laboratory, East Genomic Laboratory Hub, NHS Genomic Medicine Service
Classification: Pathogenic for Congenital myopathy. Last evaluated: 2020-06-15. Review status: criteria provided, single submitter. Criteria: ACGS Best Practice Guidelines for Variant Classification in Rare Disease 2020. Collection method: clinical testing. Allele origin: germline. Affected: yes. Observed: 1 variant allele.

Eurofins Ntd Llc (ga)
Classification: Uncertain significance. Last evaluated: 2018-08-28. Review status: criteria provided, single submitter. Criteria: EGL ClinVar v180209 classification definitions. Collection method: clinical testing. Allele origin: germline. Observed: 2 variant alleles, 2 heterozygotes.

Laboratory for Molecular Medicine, Mass General Brigham Personalized Medicine
Classification: Uncertain significance. Last evaluated: 2014-11-21. Review status: criteria provided, single submitter. Criteria: LMM Criteria. Collection method: clinical testing. Allele origin: germline. Observed: 1 variant allele.
Comment: Variant classified as Uncertain Significance - Favor Pathogenic. The p.Arg12399X variant in TTN has not been previously reported in individuals with cardiomyopa thy or in large population studies. This nonsense variant leads to a premature t ermination codon at position 12399, which is predicted to lead to a truncated or absent protein. Nonsense and other truncating variants in TTN are strongly asso ciated with DCM, particularly if they are located in the exons encoding for the A-band region of the protein (Herman 2012, Pugh 2014). Variants in the I-band, w here the p.Arg12399X variant is located, occur at a greater frequency in control s than in individuals with DCM (Pugh 2014). This decreases the likelihood, but d oes not rule out that this variant has a role in disease. In summary, while the predicted impact of this variant provides some suspicion for a pathogenic role, the clinical significance of the p.Arg12399X variant is uncertain.

Cardiogenetics and Myogenetics Molecular and Cellular Functional Unit, Aphp Sorbonne University-Hopital Pitie Salpetriere
Classification: Likely pathogenic for Dilated cardiomyopathy 1G. Last evaluated: 2024-01-06. Review status: no assertion criteria provided. Collection method: clinical testing. Allele origin: germline. Affected: yes. Not counted in ClinVar's aggregate classification.

Literature cited by the submitters: PubMed 27813223 (cited by Labcorp Genetics (formerly Invitae), Labcorp and Ambry Genetics); PubMed 29447731 (cited by Labcorp Genetics (formerly Invitae), Labcorp and Ambry Genetics); PubMed 31112426 (cited by Labcorp Genetics (formerly Invitae), Labcorp); PubMed 33874732 (cited by Labcorp Genetics (formerly Invitae), Labcorp); PubMed 36264615 (cited by Labcorp Genetics (formerly Invitae), Labcorp); PubMed 25589632 (cited by Labcorp Genetics (formerly Invitae), Labcorp); PubMed 23975875 (cited by Labcorp Genetics (formerly Invitae), Labcorp); PubMed 27869827 (cited by Labcorp Genetics (formerly Invitae), Labcorp); PubMed 32964742 (cited by Labcorp Genetics (formerly Invitae), Labcorp); PubMed 25163546 (cited by Ambry Genetics).

NM_001267550.2(TTN):c.44899C>T (p.Arg14967Ter)

Gene: TTN (titin; minus strand). Cytogenetic location: 2q31.2.
Variant type: single nucleotide variant.
Coding change: c.44899C>T on transcript NM_001267550.2 (MANE Select); coding-DNA position 44899, C replaced by T.
Protein change: p.Arg14967Ter; replaces arginine 14967 with a stop codon.
Molecular consequence: nonsense.
Genome position (GRCh38, 1-based): chr2:178,622,684, G>A on the plus strand (C>T on the coding strand, the complement: TTN is on the minus strand). VCF-style: chr2-178622684-G-A. GRCh37 (hg19) VCF-style: chr2-179487411-G-A.
Other names: p.R13326*:CGA>TGA; c.39976C>T, p.Arg13326Ter (NM_001256850.1); c.17704C>T, p.Arg5902Ter (NM_003319.4); c.37195C>T, p.Arg12399Ter (NM_133378.4); c.18079C>T, p.Arg6027Ter (NM_133432.3); c.18280C>T, p.Arg6094Ter (NM_133437.4); short protein forms R12399*, R14967*, R13326*, R5902*, R6027*, R6094*.
Identifiers: ClinVar variation 180102 (VCV000180102.29), dbSNP rs727505350, ClinGen allele CA185817.